The following is an entry in ClinVar:

NM_001267550.2(TTN):c.25607_25608del (p.Lys8536fs)

Gene: TTN (titin; minus strand). Cytogenetic location: 2q31.2.
Variant type: Deletion.
Coding change: c.25607_25608del on transcript NM_001267550.2 (MANE Select); coding-DNA positions 25607 to 25608, 2 bases deleted (AA; older notation c.25607_25608delAA).
Protein change: p.Lys8536fs; shifts the reading frame from lysine 8536.
Molecular consequence: frameshift variant. On other transcripts: intron variant (3).
Genome position (GRCh38, 1-based): chr2:178,717,126-178,717,127, TT deleted on the plus strand (AA on the coding strand, the reverse complement: TTN is on the minus strand); deleting any 2 consecutive bases within chr2:178,717,126-178,717,129 gives the same sequence; the c. name uses the placement nearest the transcript's 3' end. VCF-style (leftmost placement, unchanged base first): chr2-178717125-CTT-C. GRCh37 (hg19) VCF-style: chr2-179581852-CTT-C.
Other names: c.24656_24657del, p.Lys8219fs (NM_001256850.1); c.25605_25606delAA, p.Lys8536Argfs (NM_001267550.1); c.21875_21876del, p.Lys7292fs (NM_133378.4); c.13282+20955_13282+20956del (NM_003319.4); c.13858+20955_13858+20956del (NM_133437.4); c.13657+20955_13657+20956del (NM_133432.3); short protein forms K7292fs, K8219fs, K8536fs.
Identifiers: ClinVar variation 3366007 (VCV003366007.1).

ClinVar aggregate classification (germline): Uncertain significance (1 of 4 stars; one submission).

Submission:

GeneDx
Classification: Uncertain significance. Last evaluated: 2023-10-12. Review status: criteria provided, single submitter. Criteria: GeneDx Variant Classification Process June 2021. Collection method: clinical testing. Allele origin: germline. Affected: yes.
Comment: Not observed at significant frequency in large population cohorts (gnomAD); Frameshift variant predicted to result in protein truncation or nonsense mediated decay in a gene or region of a gene for which loss of function is not a well-established mechanism of disease; Has not been previously published as pathogenic or benign to our knowledge